The following is an entry in ClinVar:

NM_177438.3(DICER1):c.999C>G (p.Ile333Met)

Gene: DICER1 (dicer 1, ribonuclease III; minus strand). Cytogenetic location: 14q32.13.
Variant type: single nucleotide variant.
Coding change: c.999C>G on transcript NM_177438.3 (MANE Select); coding-DNA position 999, C replaced by G.
Protein change: p.Ile333Met; replaces isoleucine 333 with methionine.
Molecular consequence: missense variant. On other transcripts: non-coding transcript variant (6), 5 prime UTR variant (1).
Genome position (GRCh38, 1-based): chr14:95,124,573, G>C on the plus strand (C>G on the coding strand, the complement: DICER1 is on the minus strand). VCF-style: chr14-95124573-G-C. GRCh37 (hg19) VCF-style: chr14-95590910-G-C.
Other names: c.999C>G, p.Ile333Met (NM_001195573.1, NM_001271282.3, NM_001291628.2 and 14 more transcripts); c.717C>G, p.Ile239Met (NM_001395686.1); c.594C>G, p.Ile198Met (NM_001395687.1, NM_001395688.1, NM_001395689.1 and 3 more transcripts); c.432C>G, p.Ile144Met (NM_001395691.1); c.-570C>G (NM_001395697.1); short protein forms I239M, I333M, I144M, I198M.
Identifiers: ClinVar variation 5035242 (VCV005035242.1).

ClinVar aggregate classification (germline): Uncertain significance (1 of 4 stars; one submission).

Conditions:
Hereditary cancer-predisposing syndrome. Also called: Hereditary Cancer Syndrome; Neoplastic Syndromes, Hereditary; Tumor predisposition; Hereditary neoplastic syndrome. Identifiers: Orphanet 140162, MedGen C0027672, MeSH D009386, MONDO:0015356.

Submission:

Ambry Genetics
Classification: Uncertain significance for Hereditary cancer-predisposing syndrome. Last evaluated: 2026-07-06. Review status: criteria provided, single submitter. Criteria: Ambry Variant Classification Scheme 2023. Collection method: clinical testing. Allele origin: germline.
Comment: The p.I333M variant (also known as c.999C>G), located in coding exon 7 of the DICER1 gene, results from a C to G substitution at nucleotide position 999. The isoleucine at codon 333 is replaced by methionine, an amino acid with highly similar properties. This amino acid position is conserved. In addition, the in silico prediction for this alteration is inconclusive. Based on the available evidence, the clinical significance of this variant remains unclear.